The following is an entry in ClinVar:

ClinVar aggregate classification (germline): Pathogenic. Review status: criteria provided, multiple submitters, no conflicts (2 of 4 stars). 3 submissions from 3 submitters: Pathogenic (3). Last evaluated 2023-10-04.

Conditions:
Wilson disease (WND). Also called: Wilson's disease. Identifiers: Orphanet 905, MedGen C0019202, MONDO:0010200, OMIM 277900. Disease mechanism: loss of function.

Submissions (3):

Labcorp Genetics (formerly Invitae), Labcorp
Classification: Pathogenic for Wilson disease. Last evaluated: 2023-10-04. Review status: criteria provided, single submitter. Criteria: Invitae Variant Classification Sherloc (09022015). Collection method: clinical testing. Allele origin: germline.
Comment: This sequence change creates a premature translational stop signal (p.Cys985Alafs*37) in the ATP7B gene. It is expected to result in an absent or disrupted protein product. Loss-of-function variants in ATP7B are known to be pathogenic (PMID: 10441329, 16283883). This variant is not present in population databases (gnomAD no frequency). This variant has not been reported in the literature in individuals affected with ATP7B-related conditions. ClinVar contains an entry for this variant (Variation ID: 995999). For these reasons, this variant has been classified as Pathogenic.

Genome-Nilou Lab
Classification: Pathogenic for Wilson disease. Last evaluated: 2021-08-10. Review status: criteria provided, single submitter. Criteria: ACMG Guidelines, 2015. Collection method: clinical testing. Allele origin: germline. Affected: no.

Research Unit for Rare Diseases, 1st Faculty of Medicine, Charles University in Prague
Classification: Pathogenic for Wilson disease. Review status: criteria provided, single submitter. Criteria: ACMG Guidelines, 2015. Collection method: research. Allele origin: unknown. Inheritance: Autosomal recessive inheritance. Affected: yes.
Comment: The NM_000053.4:c.2953del (p.Cys985fs) variant in ATP7B has been reported in one patient with Wilson disease in combination with the NM_000053.4:c.51+1G>T variant in a trans position.

Literature cited by the submitters: PubMed 10441329 (cited by Labcorp Genetics (formerly Invitae), Labcorp); PubMed 16283883 (cited by Labcorp Genetics (formerly Invitae), Labcorp).

NM_000053.4(ATP7B):c.2953del (p.Cys985fs)

Gene: ATP7B (ATPase copper transporting beta; minus strand). Cytogenetic location: 13q14.3.
Variant type: Deletion.
Coding change: c.2953del on transcript NM_000053.4 (MANE Select); coding-DNA position 2953, one base deleted (T; older notation c.2953delT).
Protein change: p.Cys985fs; shifts the reading frame from cysteine 985.
Molecular consequence: frameshift variant.
Genome position (GRCh38, 1-based): chr13:51,946,391, A deleted on the plus strand (T on the coding strand, the reverse complement: ATP7B is on the minus strand). VCF-style (leftmost placement, unchanged base first): chr13-51946390-CA-C. GRCh37 (hg19) VCF-style: chr13-52520526-CA-C.
Other names: c.2332del, p.Cys778fs (NM_001005918.3); c.2620del, p.Cys874fs (NM_001243182.2); c.2719del, p.Cys907fs (NM_001330578.2); c.2701del, p.Cys901fs (NM_001330579.2); short protein forms C778fs, C874fs, C901fs, C907fs, C985fs.
Identifiers: ClinVar variation 995999 (VCV000995999.8), dbSNP rs1957660093, ClinGen allele CA1139663305.